The following is an entry in ClinVar:

NM_005529.7(HSPG2):c.12622G>A (p.Asp4208Asn)

Genes: HSPG2 (heparan sulfate proteoglycan 2; minus strand), LDLRAD2 (low density lipoprotein receptor class A domain containing 2; plus strand). Cytogenetic location: 1p36.12.
Variant type: single nucleotide variant.
Coding change: c.12622G>A on transcript NM_005529.7 (MANE Select); coding-DNA position 12622, G replaced by A.
Protein change: p.Asp4208Asn; replaces aspartic acid 4208 with asparagine.
Molecular consequence: missense variant. On other transcripts: 3 prime UTR variant (1).
Genome position (GRCh38, 1-based): chr1:21,824,747, C>T on the plus strand (G>A on the coding strand, the complement: HSPG2 is on the minus strand). VCF-style: chr1-21824747-C-T. GRCh37 (hg19) VCF-style: chr1-22151240-C-T.
Other names: c.12625G>A, p.Asp4209Asn (NM_001291860.2); c.*2532C>T (NM_001013693.3); c.12622G>A (NM_005529.5); short protein forms D4208N, D4209N.
Identifiers: ClinVar variation 1900042 (VCV001900042.5), dbSNP rs760393137, ClinGen allele CA669352.
Genomic context (GRCh38, chr1:21,824,747, plus strand): 5'-TCCAATGCCAGTCTCACCTCCTGGAGAAGACATGGCCAGGGAAGGCGAGGAAGCCATCAT[C>T]GTGGAAATAGGCTCCGTACTGCCCAGGGGCATCTGTGGGAGAGAGGAGGGTGGTGCCATA-3'
Protein context (NP_005520.4, residues 4198-4218): APGQYGAYFH[Asp4208Asn]DGFLAFPGHV

ClinVar aggregate classification (germline): Uncertain significance. Review status: criteria provided, multiple submitters, no conflicts (2 of 4 stars). 3 submissions from 3 submitters: Uncertain significance (3). Last evaluated 2024-10-21.

Conditions:
Inborn genetic diseases. Identifiers: MedGen C0950123, MeSH D030342.

Allele frequency attached by ClinVar (database versions not stated): ExAC 0.00001; gnomAD exomes 0.00001; gnomAD 0.00003; TOPMed 0.00004.
gnomAD v4.1: 13 of 1,613,432 alleles (0.00081%); highest among the groups gnomAD compares: East Asian, 0.0067%; no homozygotes.

Submissions (3):

Ambry Genetics
Classification: Uncertain significance for Inborn genetic diseases. Last evaluated: 2024-10-21. Review status: criteria provided, single submitter. Criteria: Ambry Variant Classification Scheme 2023. Collection method: clinical testing. Allele origin: germline.

GeneDx
Classification: Uncertain significance. Last evaluated: 2024-09-30. Review status: criteria provided, single submitter. Criteria: GeneDx Variant Classification Process June 2021. Collection method: clinical testing. Allele origin: germline. Affected: yes.
Comment: In silico analysis indicates that this missense variant does not alter protein structure/function; Has not been previously published as pathogenic or benign to our knowledge

Labcorp Genetics (formerly Invitae), Labcorp
Classification: Uncertain significance. Last evaluated: 2023-12-11. Review status: criteria provided, single submitter. Criteria: Invitae Variant Classification Sherloc (09022015). Collection method: clinical testing. Allele origin: germline.
Comment: This sequence change replaces aspartic acid, which is acidic and polar, with asparagine, which is neutral and polar, at codon 4208 of the HSPG2 protein (p.Asp4208Asn). This variant is present in population databases (rs760393137, gnomAD 0.008%). This variant has not been reported in the literature in individuals affected with HSPG2-related conditions. ClinVar contains an entry for this variant (Variation ID: 1900042). An algorithm developed to predict the effect of missense changes on protein structure and function (PolyPhen-2) suggests that this variant¬†is likely to be tolerated. In summary, the available evidence is currently insufficient to determine the role of this variant in disease. Therefore, it has been classified as a Variant of Uncertain Significance.